The following is an entry in ClinVar:

ClinVar aggregate classification (germline): Uncertain significance (1 of 4 stars; one submission).

Conditions:
Congenital contractures of the limbs and face, hypotonia, and developmental delay (CLIFAHDD). Identifiers: Orphanet 562528, MedGen C4225398, MONDO:0014556, OMIM 616266.

Submission:

Neuberg Centre For Genomic Medicine, NCGM
Classification: Uncertain significance for Congenital contractures of the limbs and face, hypotonia, and developmental delay. Review status: criteria provided, single submitter. Criteria: ACMG Guidelines, 2015. Collection method: clinical testing. Allele origin: germline. Affected: yes.
Comment: The missense variant p.R1722G in NALCN (NM_052867.2) has not been reported previously as a pathogenic variant nor as a benign variant, to our knowledge. The p.R1722G variant is novel (not in any individuals) in gnomAD Exomes and is novel (not in any individuals) in 1000 Genomes. There is a moderate physicochemical difference between arginine and glycine. The p.R1722G missense variant is predicted to be damaging by both SIFT and PolyPhen2. The arginine residue at codon1722 of NALCN is conserved in all mammalian species. The nucleotide c.5164 in NALCN is predicted conserved by GERP++ and PhyloP across 100 vertebrates. For these reasons, this variant has been classified as Uncertain Significance.

NM_052867.4(NALCN):c.5164C>G (p.Arg1722Gly)

Genes: NALCN-AS1 (NALCN antisense RNA 1; plus strand), NALCN (sodium leak channel, non-selective; minus strand). Cytogenetic location: 13q32.3.
Variant type: single nucleotide variant.
Coding change: c.5164C>G on transcript NM_052867.4 (MANE Select); coding-DNA position 5164, C replaced by G.
Protein change: p.Arg1722Gly; replaces arginine 1722 with glycine.
Molecular consequence: missense variant. On other transcripts: non-coding transcript variant (1).
Genome position (GRCh38, 1-based): chr13:101,055,348, G>C on the plus strand (C>G on the coding strand, the complement: NALCN is on the minus strand). VCF-style: chr13-101055348-G-C. GRCh37 (hg19) VCF-style: chr13-101707700-G-C.
Other names: c.5251C>G, p.Arg1751Gly (NM_001350748.2); c.5164C>G, p.Arg1722Gly (NM_001350749.2); c.5077C>G, p.Arg1693Gly (NM_001350750.2, NM_001350751.2); short protein forms R1693G, R1722G, R1751G.
Identifiers: ClinVar variation 1878560 (VCV001878560.1), dbSNP rs1013463370, ClinGen allele CA388642811.